The following is an entry in ClinVar:

NM_005633.4(SOS1):c.3646C>A (p.Pro1216Thr)

Gene: SOS1 (SOS Ras/Rac guanine nucleotide exchange factor 1; minus strand). Cytogenetic location: 2p22.1.
Variant type: single nucleotide variant.
Coding change: c.3646C>A on transcript NM_005633.4 (MANE Select); coding-DNA position 3646, C replaced by A.
Protein change: p.Pro1216Thr; replaces proline 1216 with threonine.
Molecular consequence: missense variant.
Genome position (GRCh38, 1-based): chr2:38,986,180, G>T on the plus strand (C>A on the coding strand, the complement: SOS1 is on the minus strand). VCF-style: chr2-38986180-G-T. GRCh37 (hg19) VCF-style: chr2-39213321-G-T.
Other names: c.3625C>A, p.Pro1209Thr (NM_001382394.1); c.3601C>A, p.Pro1201Thr (NM_001382395.1); short protein forms P1209T, P1201T, P1216T.
Identifiers: ClinVar variation 1379322 (VCV001379322.6), dbSNP rs762129481, ClinGen allele CA346362631.

ClinVar aggregate classification (germline): Uncertain significance (1 of 4 stars; one submission).

Conditions:
RASopathy. Also called: rasopathies; Noonan spectrum disorder. Identifiers: Orphanet 536391, MedGen C5555857, MONDO:0021060.

Submission:

Labcorp Genetics (formerly Invitae), Labcorp
Classification: Uncertain significance for RASopathy. Last evaluated: 2025-08-06. Review status: criteria provided, single submitter. Criteria: Invitae Variant Classification Sherloc (09022015). Collection method: clinical testing. Allele origin: germline.
Comment: This sequence change replaces proline, which is neutral and non-polar, with threonine, which is neutral and polar, at codon 1216 of the SOS1 protein (p.Pro1216Thr). This variant is not present in population databases (gnomAD no frequency). This variant has not been reported in the literature in individuals affected with SOS1-related conditions. ClinVar contains an entry for this variant (Variation ID: 1379322). Invitae Evidence Modeling of protein sequence and biophysical properties (such as structural, functional, and spatial information, amino acid conservation, physicochemical variation, residue mobility, and thermodynamic stability) indicates that this missense variant is not expected to disrupt SOS1 protein function with a negative predictive value of 95%. In summary, the available evidence is currently insufficient to determine the role of this variant in disease. Therefore, it has been classified as a Variant of Uncertain Significance.